The following is an entry in ClinVar:

ClinVar aggregate classification (germline): Uncertain significance (1 of 4 stars; one submission).

Conditions:
Inborn genetic diseases. Identifiers: MedGen C0950123, MeSH D030342.

Submission:

Ambry Genetics
Classification: Uncertain significance for Inborn genetic diseases. Last evaluated: 2025-12-19. Review status: criteria provided, single submitter. Criteria: Ambry Variant Classification Scheme 2023. Collection method: clinical testing. Allele origin: germline.
Comment: The c.1583C>T (p.P528L) alteration is located in exon 11 (coding exon 11) of the SLC6A8 gene. This alteration results from a C to T substitution at nucleotide position 1583, causing the proline (P) at amino acid position 528 to be replaced by a leucine (L). Based on data from gnomAD, the T allele has an overall frequency of 0.005% (1/20029) total alleles studied. The highest observed frequency was 0.01% (1/9808) of European (non-Finnish) alleles. This amino acid position is highly conserved in available vertebrate species. This alteration is predicted to be deleterious by in silico analysis. Based on insufficient or conflicting evidence, the clinical significance of this alteration remains unclear.

NM_005629.4(SLC6A8):c.1583C>T (p.Pro528Leu)

Gene: SLC6A8 (solute carrier family 6 member 8; plus strand). Cytogenetic location: Xq28.
Variant type: single nucleotide variant.
Coding change: c.1583C>T on transcript NM_005629.4 (MANE Select); coding-DNA position 1583, C replaced by T.
Protein change: p.Pro528Leu; replaces proline 528 with leucine.
Molecular consequence: missense variant.
Genome position (GRCh38, 1-based): chrX:153,694,620, C>T. VCF-style: chrX-153694620-C-T. GRCh37 (hg19) VCF-style: chrX-152960075-C-T.
Other names: c.1553C>T, p.Pro518Leu (NM_001142805.2); c.1238C>T, p.Pro413Leu (NM_001142806.1); short protein forms P518L, P413L, P528L.
Identifiers: ClinVar variation 4631489 (VCV004631489.2).